The following is an entry in ClinVar:

ClinVar aggregate classification (germline): Uncertain significance. Review status: criteria provided, multiple submitters, no conflicts (2 of 4 stars). 2 submissions from 2 submitters: Uncertain significance (2). Last evaluated 2025-06-03.

Conditions:
Inborn genetic diseases. Identifiers: MedGen C0950123, MeSH D030342.
Hereditary hemochromatosis (HFE). Identifiers: MedGen C0392514, MONDO:0006507. Disease mechanism: loss of function.

gnomAD v4.1: 24 of 1,608,978 alleles (0.0015%); highest among the groups gnomAD compares: Non-Finnish European, 0.002%; no homozygotes.

Submissions (2):

Labcorp Genetics (formerly Invitae), Labcorp
Classification: Uncertain significance for Hereditary hemochromatosis. Last evaluated: 2025-06-03. Review status: criteria provided, single submitter. Criteria: Invitae Variant Classification Sherloc (09022015). Collection method: clinical testing. Allele origin: germline.
Comment: This sequence change replaces glycine, which is neutral and non-polar, with cysteine, which is neutral and slightly polar, at codon 334 of the HFE protein (p.Gly334Cys). This variant is present in population databases (rs765545512, gnomAD 0.003%). This variant has not been reported in the literature in individuals affected with HFE-related conditions. ClinVar contains an entry for this variant (Variation ID: 3730156). Invitae Evidence Modeling of protein sequence and biophysical properties (such as structural, functional, and spatial information, amino acid conservation, physicochemical variation, residue mobility, and thermodynamic stability) indicates that this missense variant is not expected to disrupt HFE protein function with a negative predictive value of 80%. In summary, the available evidence is currently insufficient to determine the role of this variant in disease. Therefore, it has been classified as a Variant of Uncertain Significance.

Ambry Genetics
Classification: Uncertain significance for Inborn genetic diseases. Last evaluated: 2025-05-20. Review status: criteria provided, single submitter. Criteria: Ambry Variant Classification Scheme 2023. Collection method: clinical testing. Allele origin: germline.

NM_000410.4(HFE):c.1000G>T (p.Gly334Cys)

Gene: HFE (homeostatic iron regulator; plus strand). Cytogenetic location: 6p22.2.
Variant type: single nucleotide variant.
Coding change: c.1000G>T on transcript NM_000410.4 (MANE Select); coding-DNA position 1000, G replaced by T.
Protein change: p.Gly334Cys; replaces glycine 334 with cysteine.
Molecular consequence: missense variant.
Genome position (GRCh38, 1-based): chr6:26,093,226, G>T. VCF-style: chr6-26093226-G-T. GRCh37 (hg19) VCF-style: chr6-26093454-G-T.
Other names: c.1000G>T, p.Gly334Cys (NM_001300749.3, NM_001384164.1); c.991G>T, p.Gly331Cys (NM_001406751.1); c.736G>T, p.Gly246Cys (NM_001406752.1, NM_139007.3); c.682G>T, p.Gly228Cys (NM_139003.3); c.724G>T, p.Gly242Cys (NM_139004.3); c.958G>T, p.Gly320Cys (NM_139006.3); c.694G>T, p.Gly232Cys (NM_139008.3); c.931G>T, p.Gly311Cys (NM_139009.3); and 2 more; short protein forms G242C, G232C, G320C, G62C, G228C, G331C, G334C, G154C.
Identifiers: ClinVar variation 3730156 (VCV003730156.3).
Genomic context (GRCh38, chr6:26,093,226, plus strand): 5'-GCTGTTTTTGTCGTCATCTTGTTCATTGGAATTTTGTTCATAATATTAAGGAAGAGGCAG[G>T]GTTCAAGTGAGTAGGAACAAGGGGGAAGTCTCTTAGTACCTCTGCCCCAGGGCACAGTGG-3'
Protein context (NP_000401.1, residues 324-344): ILFIILRKRQ[Gly334Cys]SRGAMGHYVL